The following is an entry in ClinVar:

ClinVar aggregate classification (germline): Likely benign (0 of 4 stars; one submission).

Conditions:
MBNL1-related disorder. Also called: MBNL1-related condition.

Allele frequency attached by ClinVar (database versions not stated): TOPMed 0.00002; gnomAD 0.00003; ExAC 0.00005; gnomAD exomes 0.00006; 1000 Genomes Project 30x 0.00016; 1000 Genomes Project 0.00020.

Submission:

PreventionGenetics, part of Exact Sciences
Classification: Likely benign for MBNL1-related condition. Last evaluated: 2019-06-26. Review status: no assertion criteria provided. Collection method: clinical testing. Allele origin: germline.
Comment: This variant is classified as likely benign based on ACMG/AMP sequence variant interpretation guidelines (Richards et al. 2015 PMID: 25741868, with internal and published modifications).

NM_021038.5(MBNL1):c.*1A>T

Gene: MBNL1 (muscleblind like splicing regulator 1; plus strand). Cytogenetic location: 3q25.2.
Variant type: single nucleotide variant.
Coding change: c.*1A>T on transcript NM_021038.5 (MANE Select); 1 bases downstream of the stop codon, A replaced by T.
Molecular consequence: 3 prime UTR variant. On other transcripts: non-coding transcript variant (15).
Genome position (GRCh38, 1-based): chr3:152,459,328, A>T. VCF-style: chr3-152459328-A-T. GRCh37 (hg19) VCF-style: chr3-152177117-A-T.
Other names: c.*1A>T (NM_001314057.2, NM_001376818.1, NM_001376819.1 and 77 more transcripts); c.*26A>T (NM_001363870.1, NM_001376832.1, NM_001376833.1 and 13 more transcripts).
Identifiers: ClinVar variation 3042593 (VCV003042593.2), dbSNP rs569885599, ClinGen allele CA2672274.